The following is an entry in ClinVar:

NM_004489.5(GPS2):c.523_536del (p.Pro175fs)

Gene: GPS2 (G protein pathway suppressor 2; minus strand). Cytogenetic location: 17p13.1.
Variant type: Deletion.
Coding change: c.523_536del on transcript NM_004489.5 (MANE Select); coding-DNA positions 523 to 536, 14 bases deleted (CCAGAGCATGGACA).
Protein change: p.Pro175fs; shifts the reading frame from proline 175.
Molecular consequence: frameshift variant.
Genome position (GRCh38, 1-based): chr17:7,313,666-7,313,679, TGTCCATGCTCTGG deleted on the plus strand (CCAGAGCATGGACA on the coding strand, the reverse complement: GPS2 is on the minus strand); deleting any 14 consecutive bases within chr17:7,313,666-7,313,684 gives the same sequence; the c. name uses the placement nearest the transcript's 3' end. VCF-style (leftmost placement, unchanged base first): chr17-7313665-TTGTCCATGCTCTGG-T. GRCh37 (hg19) VCF-style: chr17-7216984-TTGTCCATGCTCTGG-T.
Other names: short protein forms P175fs.
Identifiers: ClinVar variation 4530524 (VCV004530524.1).

ClinVar aggregate classification (somatic clinical impact): Tier II - Potential (1 of 4 stars; one submission).

Conditions:
Medulloblastoma non-WNT/non-SHH group 3. Identifiers: MedGen C4330665, MONDO:0956966.

Submission:

Institute for Genomic Medicine (IGM) Clinical Laboratory, Nationwide Children's Hospital
Classification: Tier II - Potential for Medulloblastoma non-WNT/non-SHH group 3. Assertion type: diagnostic. Clinical significance: supports diagnosis. Last evaluated: 2022-10-11. Review status: criteria provided, single submitter. Criteria: AMP/ASCO/CAP Guidelines, 2017. Collection method: clinical testing. Allele origin: somatic. Affected: yes.
Comment: Variant has Tier II (potential) clinical significance as a diagnostic inclusion criterion in medulloblastoma non-WNT/non-SHH group 3, based on the following evidence: 1) Assists in diagnosis alone or along with other biomarkers based on small studies or few case reports (Evidence Level D; PMIDs: 22820256, 25030029).

Literature cited by the submitters: PubMed 22820256; PubMed 25030029.